The following is an entry in ClinVar:

ClinVar aggregate classification (germline): Benign (1 of 4 stars; one submission).

Allele frequency attached by ClinVar (database versions not stated): 1000 Genomes Project 0.26737; 1000 Genomes Project 30x 0.26780; TOPMed 0.32671; gnomAD 0.34227 and 0.34874.
gnomAD v4.1: 51,933 of 151,930 alleles (34%); highest among the groups gnomAD compares: Non-Finnish European, 39%; 9,269 homozygotes.

Submission:

GeneDx
Classification: Benign. Last evaluated: 2018-06-19. Review status: criteria provided, single submitter. Criteria: GeneDx Variant Classification (06012015). Collection method: clinical testing. Allele origin: germline. Affected: yes.
Comment: This variant is considered likely benign or benign based on one or more of the following criteria: it is a conservative change, it occurs at a poorly conserved position in the protein, it is predicted to be benign by multiple in silico algorithms, and/or has population frequency not consistent with disease.

NM_147127.5(EVC2):c.451-299G>A

Gene: EVC2 (EvC ciliary complex subunit 2; minus strand). Cytogenetic location: 4p16.2.
Variant type: single nucleotide variant.
Coding change: c.451-299G>A on transcript NM_147127.5 (MANE Select); 299 bases into the intron before coding-DNA position 451, G replaced by A.
Molecular consequence: intron variant.
Genome position (GRCh38, 1-based): chr4:5,691,632, C>T on the plus strand (G>A on the coding strand, the complement: EVC2 is on the minus strand). VCF-style: chr4-5691632-C-T. GRCh37 (hg19) VCF-style: chr4-5693359-C-T.
Other names: c.211-299G>A (NM_001166136.2).
Identifiers: ClinVar variation 667845 (VCV000667845.1), dbSNP rs28531831, ClinGen allele CA11715281.
Genomic context (GRCh38, chr4:5,691,632, plus strand): 5'-TGTGGGACACCTGTTGTCACAGGGCTCAGCCAACCAAGACTGACATACCAGCAAGGGGGA[C>T]GTGGGCAGAGCAGTGAAGATATCATTTAACATGTACCGTGTGCTTACCAGGTGTGGGCTG-3'